The following is an entry in ClinVar:

ClinVar aggregate classification (germline): Benign. Review status: criteria provided, multiple submitters, no conflicts (2 of 4 stars). 4 submissions from 4 submitters: Benign (3). 1 of the submissions does not count toward it. Last evaluated 2026-02-02.

Conditions:
Retinitis pigmentosa (RP). Identifiers: Orphanet 791, MedGen C0035334, MeSH D012174, MONDO:0019200, OMIM 268000. Inheritance: Autosomal dominant, autosomal recessive and X linked inheritance.

Allele frequency attached by ClinVar (database versions not stated): TOPMed 0.00307; gnomAD 0.00343 and 0.00523; ESP Exome Variant Server 0.00394; 1000 Genomes Project 30x 0.01327; 1000 Genomes Project 0.01378; ExAC 0.02164.
gnomAD v4.1: 11,753 of 1,549,962 alleles (0.76%); highest among the groups gnomAD compares: South Asian, 5.8%; 223 homozygotes.

Submissions (4):

Labcorp Genetics (formerly Invitae), Labcorp
Classification: Benign. Last evaluated: 2026-02-02. Review status: criteria provided, single submitter. Criteria: Invitae Variant Classification Sherloc (09022015). Collection method: clinical testing. Allele origin: germline.

Illumina Laboratory Services, Illumina
Classification: Benign for Retinitis pigmentosa. Last evaluated: 2017-04-28. Review status: criteria provided, single submitter. Criteria: ICSL Variant Classification Criteria 13 December 2019. Collection method: clinical testing. Allele origin: germline.
Comment: This variant was observed as part of a predisposition screen in an ostensibly healthy population. A literature search was performed for the gene, cDNA change, and amino acid change (where applicable). No publications were found based on this search. Allele frequency data from public databases was too high to be consistent with this variant causing disease. Therefore, this variant is classified as benign.

GeneDx
Classification: Benign. Last evaluated: 2011-08-11. Review status: criteria provided, single submitter. Criteria: GeneDx Variant Classification (06012015). Collection method: clinical testing. Allele origin: germline.
Comment: The variant is found in ARRP panel(s).

Natera, Inc.
Classification: Benign for Retinitis pigmentosa. Last evaluated: 2020-09-16. Review status: no assertion criteria provided. Collection method: clinical testing. Allele origin: germline. Not counted in ClinVar's aggregate classification.

NM_001142800.2(EYS):c.2259+10C>T

Gene: EYS (EGF-like photoreceptor maintenance factor; minus strand). Cytogenetic location: 6q12.
Variant type: single nucleotide variant.
Coding change: c.2259+10C>T on transcript NM_001142800.2 (MANE Select); 10 bases into the intron after coding-DNA position 2259, C replaced by T.
Molecular consequence: intron variant.
Genome position (GRCh38, 1-based): chr6:64,997,572, G>A on the plus strand (C>T on the coding strand, the complement: EYS is on the minus strand). VCF-style: chr6-64997572-G-A. GRCh37 (hg19) VCF-style: chr6-65707465-G-A.
Other names: c.2259+10C>T (FM209056.1, NM_001292009.2).
Identifiers: ClinVar variation 137270 (VCV000137270.14), dbSNP rs78511049, ClinGen allele CA290802.